The following is an entry in ClinVar:

NM_000458.4(HNF1B):c.1555C>T (p.Pro519Ser)

Gene: HNF1B (HNF1 homeobox B; minus strand). Cytogenetic location: 17q12.
Variant type: single nucleotide variant.
Coding change: c.1555C>T on transcript NM_000458.4 (MANE Select); coding-DNA position 1555, C replaced by T.
Protein change: p.Pro519Ser; replaces proline 519 with serine.
Molecular consequence: missense variant. On other transcripts: intron variant (2).
Genome position (GRCh38, 1-based): chr17:37,699,174, G>A on the plus strand (C>T on the coding strand, the complement: HNF1B is on the minus strand). VCF-style: chr17-37699174-G-A. GRCh37 (hg19) VCF-style: chr17-36059180-G-A.
Other names: c.1477C>T, p.Pro493Ser (NM_001165923.4); c.1261+5743C>T (NM_001304286.2); c.1534+1809C>T (NM_001411100.1); short protein forms P493S, P519S.
Identifiers: ClinVar variation 3766455 (VCV003766455.1).

ClinVar aggregate classification (germline): Uncertain significance (1 of 4 stars; one submission).

gnomAD v4.1: 9 of 1,614,030 alleles (0.00056%); highest among the groups gnomAD compares: Admixed American, 0.0083%; no homozygotes.

Submission:

ARUP Laboratories, Molecular Genetics and Genomics, ARUP Laboratories
Classification: Uncertain significance. Last evaluated: 2024-02-09. Review status: criteria provided, single submitter. Criteria: ARUP Molecular Germline Variant Investigation Process 2024. Collection method: clinical testing. Allele origin: germline.
Comment: The HNF1B c.1555C>T; p.Pro519Ser variant (rs200122595), to our knowledge, is not reported in the medical literature or gene specific databases. This variant is found in the Admixed American population with an allele frequency of 0.01% (5/34592 alleles) in the Genome Aggregation Database (v2.1.1). Computational analyses are uncertain whether this variant is neutral or deleterious (REVEL: 0.698). Due to limited information, the clinical significance of this variant is uncertain at this time.